The following is an entry in ClinVar:

NM_001370658.1(BTD):c.1000del (p.Thr334fs)

Gene: BTD (biotinidase; plus strand). Cytogenetic location: 3p25.1.
Variant type: Deletion.
Coding change: c.1000del on transcript NM_001370658.1 (MANE Select); coding-DNA position 1000, one base deleted (A; older notation c.1000delA).
Protein change: p.Thr334fs; shifts the reading frame from threonine 334.
Molecular consequence: frameshift variant. On other transcripts: intron variant (6).
Genome position (GRCh38, 1-based): chr3:15,644,916, A deleted; the last of 3 consecutive A bases (chr3:15,644,914-15,644,916); deleting any one gives the same sequence. VCF-style (leftmost placement, unchanged base first): chr3-15644913-GA-G. GRCh37 (hg19) VCF-style: chr3-15686420-GA-G.
Other names: c.1000del, p.Thr334fs (NM_001281723.4, NM_001281724.3, NM_001281725.3 and 18 more transcripts); c.399+2859del (NM_001370753.1, NM_001407400.1, NM_001407380.1 and 3 more transcripts); c.1060del (NM_000060.4); short protein forms T334fs.
Identifiers: ClinVar variation 3240984 (VCV003240984.2), dbSNP rs2471516565.
Genomic context (GRCh38, chr3:15,644,913, plus strand): 5'-ATAATTGCCCAGGTGGCCAAAAATCCAGTGGGTCTCATTGGTGCAGAGAATGCAACAGGT[GA>G]AACGGACCCATCCCATAGTAAGTTTTTAAAAATTTTGTCAGGCGATCCGTACTGTGAGAA-3'

ClinVar aggregate classification (germline): Pathogenic/Likely pathogenic. Review status: criteria provided, multiple submitters, no conflicts (2 of 4 stars). 2 submissions from 2 submitters: Pathogenic (1); Likely pathogenic (1). Last evaluated 2026-05-21.

Conditions:
Biotinidase deficiency. Also called: BTD deficiency; Late-onset biotin-responsive multiple carboxylase deficiency; Biotin deficiency. Identifiers: Orphanet 79241, MedGen C0220754, MONDO:0009665, OMIM 253260.

Submissions (2):

Myriad Genetics, Inc.
Classification: Pathogenic for Biotinidase deficiency. Last evaluated: 2026-05-21. Review status: criteria provided, single submitter. Criteria: Myriad Autosomal Dominant, Autosomal Recessive and X-Linked Classification Criteria (2023). Collection method: clinical testing. Allele origin: unknown.
Comment: NM_000060.2(BTD):c.1060delA(T354Rfs*9) is a frameshift variant classified as pathogenic in the context of biotinidase deficiency. T354Rfs*9 has not been observed in cases with relevant disease. Relevant functional assessments of this variant are not available in the literature. T354Rfs*9 has not been observed in referenced population frequency databases. In summary, NM_000060.2(BTD):c.1060delA(T354Rfs*9) is a frameshift variant in a gene where loss of function is a known mechanism of disease and is predicted to disrupt protein function. Please note: this variant was assessed in the context of healthy population screening.

Baylor Genetics
Classification: Likely pathogenic for Biotinidase deficiency. Last evaluated: 2024-01-11. Review status: criteria provided, single submitter. Criteria: ACMG Guidelines, 2015. Collection method: clinical testing. Allele origin: unknown.